The following is an entry in ClinVar:

ClinVar aggregate classification (germline): Uncertain significance (1 of 4 stars; one submission).

gnomAD v4.1: 10 of 1,613,102 alleles (0.00062%); highest among the groups gnomAD compares: African/African-American, 0.0013%; no homozygotes.

Submission:

Ambry Genetics
Classification: Uncertain significance. Last evaluated: 2025-12-08. Review status: criteria provided, single submitter. Criteria: Ambry Variant Classification Scheme 2023. Collection method: clinical testing. Allele origin: germline.
Comment: The c.1477G>A (p.G493S) alteration is located in exon 11 (coding exon 10) of the BTNL9 gene. This alteration results from a G to A substitution at nucleotide position 1477, causing the glycine (G) at amino acid position 493 to be replaced by a serine (S). Based on data from gnomAD, the A allele has an overall frequency of <0.001% (1/247954) total alleles studied. The highest observed frequency was 0.001% (1/111510) of European (non-Finnish) alleles. Based on insufficient or conflicting evidence, the clinical significance of this alteration remains unclear.

NM_152547.5(BTNL9):c.1477G>A (p.Gly493Ser)

Gene: BTNL9 (butyrophilin like 9; plus strand). Cytogenetic location: 5q35.3.
Variant type: single nucleotide variant.
Coding change: c.1477G>A on transcript NM_152547.5 (MANE Select); coding-DNA position 1477, G replaced by A.
Protein change: p.Gly493Ser; replaces glycine 493 with serine.
Molecular consequence: missense variant.
Genome position (GRCh38, 1-based): chr5:181,059,731, G>A. VCF-style: chr5-181059731-G-A. GRCh37 (hg19) VCF-style: chr5-180486731-G-A.
Other names: short protein forms G493S.
Identifiers: ClinVar variation 4647060 (VCV004647060.1).
Genomic context (GRCh38, chr5:181,059,731, plus strand): 5'-ACCTTCCACGACACCTTCTCGGGCGCGCTCTGTGCGTACTTCAGGCCCAGGGCCCACGAC[G>A]GCGGCGAACATCCGGATCCCCTGACCATCTGCCCGCTGCCGGTTAGAGGGACGGGCGTCC-3'
Protein context (NP_689760.2, residues 483-503): CAYFRPRAHD[Gly493Ser]GEHPDPLTIC